The following is an entry in ClinVar:

ClinVar aggregate classification (germline): Uncertain significance. Review status: criteria provided, multiple submitters, no conflicts (2 of 4 stars). 3 submissions from 3 submitters: Uncertain significance (3). Last evaluated 2025-01-21.

Conditions:
Inborn genetic diseases. Identifiers: MedGen C0950123, MeSH D030342.

Allele frequency attached by ClinVar (database versions not stated): gnomAD 0.00002; gnomAD exomes 0.00003; ExAC 0.00006.
gnomAD v4.1: 42 of 1,614,074 alleles (0.0026%); highest among the groups gnomAD compares: Admixed American, 0.0033%; no homozygotes.

Submissions (3):

Ambry Genetics
Classification: Uncertain significance for Inborn genetic diseases. Last evaluated: 2025-01-21. Review status: criteria provided, single submitter. Criteria: Ambry Variant Classification Scheme 2023. Collection method: clinical testing. Allele origin: germline.

Blueprint Genetics
Classification: Uncertain significance. Last evaluated: 2024-10-15. Review status: criteria provided, single submitter. Criteria: ACMG Guidelines, 2015. Collection method: clinical testing. Allele origin: germline.

Labcorp Genetics (formerly Invitae), Labcorp
Classification: Uncertain significance. Last evaluated: 2022-06-20. Review status: criteria provided, single submitter. Criteria: Invitae Variant Classification Sherloc (09022015). Collection method: clinical testing. Allele origin: germline.
Comment: Algorithms developed to predict the effect of missense changes on protein structure and function (SIFT, PolyPhen-2, Align-GVGD) all suggest that this variant is likely to be disruptive. This sequence change replaces arginine, which is basic and polar, with glutamine, which is neutral and polar, at codon 796 of the MERTK protein (p.Arg796Gln). This variant is present in population databases (rs767721402, gnomAD 0.01%). This missense change has been observed in individual(s) with retinitis pigmentosa (Invitae). In summary, the available evidence is currently insufficient to determine the role of this variant in disease. Therefore, it has been classified as a Variant of Uncertain Significance.

NM_006343.3(MERTK):c.2387G>A (p.Arg796Gln)

Gene: MERTK (MER proto-oncogene, tyrosine kinase; plus strand). Cytogenetic location: 2q13.
Variant type: single nucleotide variant.
Coding change: c.2387G>A on transcript NM_006343.3 (MANE Select); coding-DNA position 2387, G replaced by A.
Protein change: p.Arg796Gln; replaces arginine 796 with glutamine.
Molecular consequence: missense variant.
Genome position (GRCh38, 1-based): chr2:112,022,295, G>A. VCF-style: chr2-112022295-G-A. GRCh37 (hg19) VCF-style: chr2-112779872-G-A.
Other names: c.2387G>A (NM_006343.2); short protein forms R796Q.
Identifiers: ClinVar variation 2199764 (VCV002199764.5), dbSNP rs767721402, ClinGen allele CA1831823.